The following is an entry in ClinVar:

ClinVar aggregate classification (germline): Uncertain significance (1 of 4 stars; one submission).

gnomAD v4.1: 2 of 1,610,226 alleles (0.00012%); highest among the groups gnomAD compares: Admixed American, 0.0017%; no homozygotes.

Submission:

Labcorp Genetics (formerly Invitae), Labcorp
Classification: Uncertain significance. Last evaluated: 2025-07-20. Review status: criteria provided, single submitter. Criteria: Invitae Variant Classification Sherloc (09022015). Collection method: clinical testing. Allele origin: germline.
Comment: This sequence change replaces glutamic acid, which is acidic and polar, with glutamine, which is neutral and polar, at codon 78 of the FLI1 protein (p.Glu78Gln). This variant is not present in population databases (gnomAD no frequency). This variant has not been reported in the literature in individuals affected with FLI1-related conditions. An algorithm developed to predict the effect of missense changes on protein structure and function (PolyPhen-2) suggests that this variant is likely to be disruptive. In summary, the available evidence is currently insufficient to determine the role of this variant in disease. Therefore, it has been classified as a Variant of Uncertain Significance.

NM_002017.5(FLI1):c.232G>C (p.Glu78Gln)

Gene: FLI1 (Fli-1 proto-oncogene, ETS transcription factor; plus strand). Cytogenetic location: 11q24.3.
Variant type: single nucleotide variant.
Coding change: c.232G>C on transcript NM_002017.5 (MANE Select); coding-DNA position 232, G replaced by C.
Protein change: p.Glu78Gln; replaces glutamic acid 78 with glutamine.
Molecular consequence: missense variant. On other transcripts: intron variant (1).
Genome position (GRCh38, 1-based): chr11:128,768,119, G>C. VCF-style: chr11-128768119-G-C. GRCh37 (hg19) VCF-style: chr11-128638014-G-C.
Other names: c.133G>C, p.Glu45Gln (NM_001167681.3, NM_001440369.1, NM_001440370.1 and 1 more transcripts); c.34G>C, p.Glu12Gln (NM_001271010.2); c.232G>C, p.Glu78Gln (NM_001440372.1); c.10+9793G>C (NM_001271012.2); short protein forms E12Q, E78Q, E45Q.
Identifiers: ClinVar variation 4767015 (VCV004767015.1).